The following is an entry in ClinVar:

ClinVar aggregate classification (germline): Uncertain significance. Review status: criteria provided, multiple submitters, no conflicts (2 of 4 stars). 2 submissions from 2 submitters: Uncertain significance (2). Last evaluated 2024-02-27.

Submissions (2):

Blueprint Genetics
Classification: Uncertain significance. Last evaluated: 2024-02-27. Review status: criteria provided, single submitter. Criteria: ACMG Guidelines, 2015. Collection method: clinical testing. Allele origin: germline.

GeneDx
Classification: Uncertain significance. Last evaluated: 2019-04-09. Review status: criteria provided, single submitter. Criteria: GeneDx Variant Classification Process June 2021. Collection method: clinical testing. Allele origin: germline. Affected: yes.
Comment: Has not been previously published as pathogenic or benign to our knowledge; In-frame deletion of 12 amino acids in a non-repeat region; Not observed in large population cohorts (Lek et al., 2016)

NM_001114753.3(ENG):c.933_968del (p.Ala312_Val323del)

Gene: ENG (endoglin; minus strand). Cytogenetic location: 9q34.11.
Variant type: Deletion.
Coding change: c.933_968del on transcript NM_001114753.3 (MANE Select); coding-DNA positions 933 to 968, 36 bases deleted.
Protein change: p.Ala312_Val323del.
Molecular consequence: inframe deletion. On other transcripts: inframe indel (2).
Genome position (GRCh38, 1-based): chr9:127,824,823-127,824,858, 36 bases deleted; deleting any 36 consecutive bases within chr9:127,824,823-127,824,869 gives the same sequence; the c. name uses the placement nearest the transcript's 3' end. GRCh37 (hg19): chr9:130,587,113-130,587,148.
Other names: c.922_957del36, p.Ala312_Val323del (NM_000118.4, NM_001406715.1); c.387_422del, p.Ala130_Val141del (NM_001278138.2).
Identifiers: ClinVar variation 1304771 (VCV001304771.5), dbSNP rs2131886859, ClinGen allele CA2573053101.